The following is an entry in ClinVar:

ClinVar aggregate classification (germline): Uncertain significance. Review status: criteria provided, multiple submitters, no conflicts (2 of 4 stars). 2 submissions from 2 submitters: Uncertain significance (2). Last evaluated 2025-10-02.

Allele frequency attached by ClinVar (database versions not stated): gnomAD exomes 0.00002 and 0.00004; TOPMed 0.00002; ExAC 0.00004; gnomAD 0.00004.
gnomAD v4.1: 45 of 1,613,882 alleles (0.0028%); highest among the groups gnomAD compares: Non-Finnish European, 0.0035%; no homozygotes.

Submissions (2):

Labcorp Genetics (formerly Invitae), Labcorp
Classification: Uncertain significance. Last evaluated: 2025-10-02. Review status: criteria provided, single submitter. Criteria: Invitae Variant Classification Sherloc (09022015). Collection method: clinical testing. Allele origin: germline.
Comment: This sequence change replaces glutamine, which is neutral and polar, with arginine, which is basic and polar, at codon 1063 of the MCM3AP protein (p.Gln1063Arg). This variant is present in population databases (rs750855467, gnomAD 0.007%). This variant has not been reported in the literature in individuals affected with MCM3AP-related conditions. ClinVar contains an entry for this variant (Variation ID: 1415643). An algorithm developed to predict the effect of missense changes on protein structure and function (PolyPhen-2) suggests that this variant is likely to be disruptive. In summary, the available evidence is currently insufficient to determine the role of this variant in disease. Therefore, it has been classified as a Variant of Uncertain Significance.

Mayo Clinic Laboratories, Mayo Clinic
Classification: Uncertain significance. Last evaluated: 2023-11-09. Review status: criteria provided, single submitter. Criteria: ACMG Guidelines, 2015. Collection method: clinical testing. Allele origin: germline. Observed: 1 variant allele.
Comment: BP4, PM2_moderate

NM_003906.5(MCM3AP):c.3188A>G (p.Gln1063Arg)

Gene: MCM3AP (minichromosome maintenance complex component 3 associated protein; minus strand). Cytogenetic location: 21q22.3.
Variant type: single nucleotide variant.
Coding change: c.3188A>G on transcript NM_003906.5 (MANE Select); coding-DNA position 3188, A replaced by G.
Protein change: p.Gln1063Arg; replaces glutamine 1063 with arginine.
Molecular consequence: missense variant.
Genome position (GRCh38, 1-based): chr21:46,265,367, T>C on the plus strand (A>G on the coding strand, the complement: MCM3AP is on the minus strand). VCF-style: chr21-46265367-T-C. GRCh37 (hg19) VCF-style: chr21-47685281-T-C.
Other names: p.Gln1063Arg; short protein forms Q1063R.
Identifiers: ClinVar variation 1415643 (VCV001415643.5), dbSNP rs750855467, ClinGen allele CA10076600.